The following is an entry in ClinVar:

ClinVar aggregate classification (germline): Uncertain significance. Review status: criteria provided, multiple submitters, no conflicts (2 of 4 stars). 2 submissions from 2 submitters: Uncertain significance (2). Last evaluated 2023-09-19.

Conditions:
Intellectual disability, X-linked, with or without seizures, ARX-related. Also called: MENTAL RETARDATION, X-LINKED 29; MENTAL RETARDATION, X-LINKED 32; MENTAL RETARDATION, X-LINKED 33; MENTAL RETARDATION, X-LINKED 38; MENTAL RETARDATION, X-LINKED 43; MENTAL RETARDATION, X-LINKED 76. Identifiers: Orphanet 777, MedGen C0796244, MONDO:0010317, OMIM 300419.
Developmental and epileptic encephalopathy, 1 (DEE1). Also called: X-linked infantile spasms; West's syndrome; Tonic spasms with clustering, arrest of psychomotor development and hypsarrhythmia on EEG; X-Linked Infantile Spasm Syndrome; OHTAHARA SYNDROME, X-LINKED; INFANTILE SPASM SYNDROME, X-LINKED 1. Identifiers: MedGen C3463992, MONDO:0010632, OMIM 308350. Disease mechanism: loss of function.

Allele frequency attached by ClinVar (database versions not stated): TOPMed below 0.00001; gnomAD 0.00003; ExAC 0.00004.

Submissions (2):

GeneDx
Classification: Uncertain significance. Last evaluated: 2023-09-19. Review status: criteria provided, single submitter. Criteria: GeneDx Variant Classification Process June 2021. Collection method: clinical testing. Allele origin: germline. Affected: yes.
Comment: Not observed at significant frequency in large population cohorts (gnomAD); In silico analysis supports that this missense variant does not alter protein structure/function; Has not been previously published as pathogenic or benign to our knowledge

Labcorp Genetics (formerly Invitae), Labcorp
Classification: Uncertain significance for Developmental and epileptic encephalopathy, 1; Intellectual disability, X-linked, with or without seizures, ARX-related. Last evaluated: 2022-09-27. Review status: criteria provided, single submitter. Criteria: Invitae Variant Classification Sherloc (09022015). Collection method: clinical testing. Allele origin: germline.
Comment: This sequence change replaces threonine, which is neutral and polar, with serine, which is neutral and polar, at codon 492 of the ARX protein (p.Thr492Ser). The frequency data for this variant in the population databases is considered unreliable, as metrics indicate poor data quality at this position in the gnomAD database. This variant has not been reported in the literature in individuals affected with ARX-related conditions. ClinVar contains an entry for this variant (Variation ID: 941933). Advanced modeling of protein sequence and biophysical properties (such as structural, functional, and spatial information, amino acid conservation, physicochemical variation, residue mobility, and thermodynamic stability) performed at Invitae indicates that this missense variant is not expected to disrupt ARX protein function. In summary, the available evidence is currently insufficient to determine the role of this variant in disease. Therefore, it has been classified as a Variant of Uncertain Significance.

NM_139058.3(ARX):c.1475C>G (p.Thr492Ser)

Gene: ARX (aristaless related homeobox; minus strand). Cytogenetic location: Xp21.3.
Variant type: single nucleotide variant.
Coding change: c.1475C>G on transcript NM_139058.3 (MANE Select); coding-DNA position 1475, C replaced by G.
Protein change: p.Thr492Ser; replaces threonine 492 with serine.
Molecular consequence: missense variant.
Genome position (GRCh38, 1-based): chrX:25,004,884, G>C on the plus strand (C>G on the coding strand, the complement: ARX is on the minus strand). VCF-style: chrX-25004884-G-C. GRCh37 (hg19) VCF-style: chrX-25023001-G-C.
Other names: short protein forms T492S.
Identifiers: ClinVar variation 941933 (VCV000941933.8), dbSNP rs766065019, ClinGen allele CA10373777.